The following is an entry in ClinVar:

ClinVar aggregate classification (germline): Uncertain significance. Review status: criteria provided, multiple submitters, no conflicts (2 of 4 stars). 2 submissions from 2 submitters: Uncertain significance (2). Last evaluated 2026-04-11.

Conditions:
Hereditary cancer-predisposing syndrome. Also called: Hereditary Cancer Syndrome; Neoplastic Syndromes, Hereditary; Tumor predisposition; Hereditary neoplastic syndrome. Identifiers: Orphanet 140162, MedGen C0027672, MeSH D009386, MONDO:0015356.
Oligodontia-cancer predisposition syndrome. Also called: TOOTH AGENESIS-COLORECTAL CANCER SYNDROME. Identifiers: Orphanet 300576, MedGen C1837750, MONDO:0012075, OMIM 608615. Disease mechanism: loss of function.

Submissions (2):

Ambry Genetics
Classification: Uncertain significance for Hereditary cancer-predisposing syndrome. Last evaluated: 2026-04-11. Review status: criteria provided, single submitter. Criteria: Ambry Variant Classification Scheme 2023. Collection method: clinical testing. Allele origin: germline.
Comment: The p.K380N variant (also known as c.1140G>C), located in coding exon 4 of the AXIN2 gene, results from a G to C substitution at nucleotide position 1140. The lysine at codon 380 is replaced by asparagine, an amino acid with similar properties. This amino acid position is conserved. In addition, this alteration is predicted to be tolerated by in silico analysis. Based on the available evidence, the clinical significance of this variant remains unclear.

Labcorp Genetics (formerly Invitae), Labcorp
Classification: Uncertain significance for Oligodontia-cancer predisposition syndrome. Last evaluated: 2019-06-18. Review status: criteria provided, single submitter. Criteria: Invitae Variant Classification Sherloc (09022015). Collection method: clinical testing. Allele origin: germline.
Comment: This sequence change replaces lysine with asparagine at codon 380 of the AXIN2 protein (p.Lys380Asn). The lysine residue is moderately conserved and there is a moderate physicochemical difference between lysine and asparagine. This variant is not present in population databases (ExAC no frequency). This variant has not been reported in the literature in individuals with AXIN2-related conditions. Algorithms developed to predict the effect of missense changes on protein structure and function (SIFT, PolyPhen-2, Align-GVGD) all suggest that this variant is likely to be tolerated, but these predictions have not been confirmed by published functional studies and their clinical significance is uncertain. In summary, the available evidence is currently insufficient to determine the role of this variant in disease. Therefore, it has been classified as a Variant of Uncertain Significance.

NM_004655.4(AXIN2):c.1140G>C (p.Lys380Asn)

Gene: AXIN2 (axin 2; minus strand). Cytogenetic location: 17q24.1.
Variant type: single nucleotide variant.
Coding change: c.1140G>C on transcript NM_004655.4 (MANE Select); coding-DNA position 1140, G replaced by C.
Protein change: p.Lys380Asn; replaces lysine 380 with asparagine.
Molecular consequence: missense variant.
Genome position (GRCh38, 1-based): chr17:65,538,263, C>G on the plus strand (G>C on the coding strand, the complement: AXIN2 is on the minus strand). VCF-style: chr17-65538263-C-G. GRCh37 (hg19) VCF-style: chr17-63534381-C-G.
Other names: c.1140G>C, p.Lys380Asn (NM_001363813.1); short protein forms K380N.
Identifiers: ClinVar variation 952562 (VCV000952562.10), dbSNP rs2043979688, ClinGen allele CA400678342.